The following is an entry in ClinVar:

ClinVar aggregate classification (germline): Conflicting classifications of pathogenicity. Review status: criteria provided, conflicting classifications (1 of 4 stars). 4 submissions from 4 submitters: Uncertain significance (3); Likely benign (1). Last evaluated 2025-03-11.

Conditions:
Arrhythmogenic right ventricular dysplasia 8 (ARVD8). Also called: Arrhythmogenic Right Ventricular Dysplasia/Cardiomyopathy 8; ARRHYTHMOGENIC RIGHT VENTRICULAR DYSPLASIA, FAMILIAL, 8; ARRHYTHMOGENIC RIGHT VENTRICULAR CARDIOMYOPATHY 8. Identifiers: MedGen C1843896, MONDO:0011831, OMIM 607450.
Arrhythmogenic cardiomyopathy with wooly hair and keratoderma. Also called: PALMOPLANTAR KERATODERMA WITH LEFT VENTRICULAR CARDIOMYOPATHY AND WOOLLY HAIR; Dilated cardiomyopathy with woolly hair and keratoderma; Arrhythmogenic cardiomyopathy with woolly hair and keratoderma; Carvajal syndrome. Identifiers: Orphanet 65282, MedGen C1854063, MONDO:0011581, OMIM 605676.
Cardiomyopathy (CMYO). Also called: Cardiomyopathies. Identifiers: Orphanet 167848, MedGen C0878544, MONDO:0004994, HP:0001638. Inheritance: Various modes of inheritance.

Allele frequency attached by ClinVar (database versions not stated): ExAC 0.00001.
gnomAD v4.1: 7 of 1,614,086 alleles (0.00043%); highest among the groups gnomAD compares: East Asian, 0.0045%; no homozygotes.

Submissions (4):

GeneDx
Classification: Uncertain significance. Last evaluated: 2025-03-11. Review status: criteria provided, single submitter. Criteria: GeneDx Variant Classification Process June 2021. Collection method: clinical testing. Allele origin: germline. Affected: yes.
Comment: Not observed at significant frequency in large population cohorts (gnomAD); In silico analysis supports that this missense variant has a deleterious effect on protein structure/function; Has not been previously published as pathogenic or benign to our knowledge

Labcorp Genetics (formerly Invitae), Labcorp
Classification: Likely benign for Arrhythmogenic cardiomyopathy with wooly hair and keratoderma; Arrhythmogenic right ventricular dysplasia 8. Last evaluated: 2023-12-14. Review status: criteria provided, single submitter. Criteria: Invitae Variant Classification Sherloc (09022015). Collection method: clinical testing. Allele origin: germline.

All of Us Research Program, National Institutes of Health
Classification: Uncertain significance for Arrhythmogenic cardiomyopathy with wooly hair and keratoderma. Last evaluated: 2023-06-08. Review status: criteria provided, single submitter. Criteria: ACMG Guidelines, 2015. Collection method: clinical testing. Allele origin: germline. Inheritance: Autosomal dominant inheritance. Observed: 1 variant allele, 1 heterozygote.
Comment: This missense variant replaces leucine with phenylalanine at codon 2781 of the DSP protein. Computational prediction suggests that this variant may not impact protein structure and function (internally defined REVEL score threshold <= 0.5, PMID: 27666373). To our knowledge, functional studies have not been reported for this variant. This variant has not been reported in individuals affected with cardiovascular disorders in the literature. This variant has been identified in 3/251454 chromosomes in the general population by the Genome Aggregation Database (gnomAD). The available evidence is insufficient to determine the role of this variant in disease conclusively. Therefore, this variant is classified as a Variant of Uncertain Significance.

This study involves interpretation of variants in research participants for the purpose of population health screening. Participant phenotype was not available at the time of variant classification. Additional details can be found in publication PMID: 35346344, PMCID: PMC8962531

Color Diagnostics, LLC DBA Color Health
Classification: Uncertain significance for Cardiomyopathy. Last evaluated: 2023-04-25. Review status: criteria provided, single submitter. Criteria: ACMG Guidelines, 2015. Collection method: clinical testing. Allele origin: germline.
Comment: This missense variant replaces leucine with phenylalanine at codon 2781 of the DSP protein. Computational prediction suggests that this variant may not impact protein structure and function (internally defined REVEL score threshold <= 0.5, PMID: 27666373). To our knowledge, functional studies have not been reported for this variant. This variant has not been reported in individuals affected with cardiovascular disorders in the literature. This variant has been identified in 3/251454 chromosomes in the general population by the Genome Aggregation Database (gnomAD). The available evidence is insufficient to determine the role of this variant in disease conclusively. Therefore, this variant is classified as a Variant of Uncertain Significance.

NM_004415.4(DSP):c.8343A>T (p.Leu2781Phe)

Gene: DSP (desmoplakin; plus strand). Cytogenetic location: 6p24.3.
Variant type: single nucleotide variant.
Coding change: c.8343A>T on transcript NM_004415.4 (MANE Select); coding-DNA position 8343, A replaced by T.
Protein change: p.Leu2781Phe; replaces leucine 2781 with phenylalanine.
Molecular consequence: missense variant.
Genome position (GRCh38, 1-based): chr6:7,585,605, A>T. VCF-style: chr6-7585605-A-T. GRCh37 (hg19) VCF-style: chr6-7585838-A-T.
Other names: c.6546A>T, p.Leu2182Phe (NM_001008844.3); c.7014A>T, p.Leu2338Phe (NM_001319034.2); short protein forms L2338F, L2182F, L2781F.
Identifiers: ClinVar variation 2775382 (VCV002775382.7), dbSNP rs755270593, ClinGen allele CA052088.
Genomic context (GRCh38, chr6:7,585,605, plus strand): 5'-ACAGAGGCTGCAAGACACCAGCAGCTATGCCAAAATCCTGACCTGCCCCAAAACCAAATT[A>T]AAAATATCCTATAAGGATGCCATAAATCGCTCCATGGTAGAAGATATCACTGGGCTGCGC-3'
Protein context (NP_004406.2, residues 2771-2791): AKILTCPKTK[Leu2781Phe]KISYKDAINR